The following is an entry in ClinVar:

ClinVar aggregate classification (germline): Uncertain significance. Review status: criteria provided, multiple submitters, no conflicts (2 of 4 stars). 5 submissions from 5 submitters: Uncertain significance (4). 1 of the submissions does not count toward it. Last evaluated 2025-11-20.

Conditions:
Inborn genetic diseases. Identifiers: MedGen C0950123, MeSH D030342.
Ornithine aminotransferase deficiency (GACR). Also called: OKT DEFICIENCY; OAT DEFICIENCY; HYPERORNITHINEMIA WITH GYRATE ATROPHY OF CHOROID AND RETINA; Ornithine ketoacid aminotransferase deficiency; Gyrate atrophy; Gyrate atrophy of choroid and retina. Identifiers: Orphanet 414, MedGen C0018425, MONDO:0009796, OMIM 258870.

Allele frequency attached by ClinVar (database versions not stated): TOPMed 0.00006; ESP Exome Variant Server 0.00008.
gnomAD v4.1: 68 of 1,614,038 alleles (0.0042%); highest among the groups gnomAD compares: Non-Finnish European, 0.0047%; no homozygotes.

Submissions (5):

Ambry Genetics
Classification: Uncertain significance for Inborn genetic diseases. Last evaluated: 2025-11-20. Review status: criteria provided, single submitter. Criteria: Ambry Variant Classification Scheme 2023. Collection method: clinical testing. Allele origin: germline.

Blueprint Genetics
Classification: Uncertain significance. Last evaluated: 2024-04-29. Review status: criteria provided, single submitter. Criteria: ACMG Guidelines, 2015. Collection method: clinical testing. Allele origin: germline.

Labcorp Genetics (formerly Invitae), Labcorp
Classification: Uncertain significance for Ornithine aminotransferase deficiency. Last evaluated: 2022-05-13. Review status: criteria provided, single submitter. Criteria: Invitae Variant Classification Sherloc (09022015). Collection method: clinical testing. Allele origin: germline.
Comment: This sequence change replaces aspartic acid, which is acidic and polar, with glycine, which is neutral and non-polar, at codon 205 of the OAT protein (p.Asp205Gly). This variant is present in population databases (rs375157197, gnomAD 0.01%). This variant has not been reported in the literature in individuals affected with OAT-related conditions. ClinVar contains an entry for this variant (Variation ID: 991859). Algorithms developed to predict the effect of missense changes on protein structure and function (SIFT, PolyPhen-2, Align-GVGD) all suggest that this variant is likely to be tolerated. In summary, the available evidence is currently insufficient to determine the role of this variant in disease. Therefore, it has been classified as a Variant of Uncertain Significance.

Fulgent Genetics
Classification: Uncertain significance for Ornithine aminotransferase deficiency. Last evaluated: 2022-04-04. Review status: criteria provided, single submitter. Criteria: ACMG Guidelines, 2015. Collection method: clinical testing. Allele origin: unknown.

Natera, Inc.
Classification: Uncertain significance for Gyrate atrophy. Last evaluated: 2020-04-11. Review status: no assertion criteria provided. Collection method: clinical testing. Allele origin: germline. Not counted in ClinVar's aggregate classification.

NM_000274.4(OAT):c.614A>G (p.Asp205Gly)

Gene: OAT (ornithine aminotransferase; minus strand). Cytogenetic location: 10q26.13.
Variant type: single nucleotide variant.
Coding change: c.614A>G on transcript NM_000274.4 (MANE Select); coding-DNA position 614, A replaced by G.
Protein change: p.Asp205Gly; replaces aspartic acid 205 with glycine.
Molecular consequence: missense variant.
Genome position (GRCh38, 1-based): chr10:124,405,470, T>C on the plus strand (A>G on the coding strand, the complement: OAT is on the minus strand). VCF-style: chr10-124405470-T-C. GRCh37 (hg19) VCF-style: chr10-126094039-T-C.
Other names: c.200A>G, p.Asp67Gly (NM_001171814.2); c.614A>G, p.Asp205Gly (NM_001322965.2, NM_001322966.2, NM_001322967.2 and 3 more transcripts); c.293A>G, p.Asp98Gly (NM_001322971.2); c.14A>G, p.Asp5Gly (NM_001322974.2); c.614A>G (NM_000274.3); short protein forms D205G, D5G, D67G, D98G.
Identifiers: ClinVar variation 991859 (VCV000991859.6), dbSNP rs375157197, ClinGen allele CA5733486.